The following is an entry in ClinVar:

ClinVar aggregate classification (germline): Uncertain significance. Review status: criteria provided, multiple submitters, no conflicts (2 of 4 stars). 3 submissions from 3 submitters: Uncertain significance (3). Last evaluated 2025-06-22.

Conditions:
Hereditary cancer-predisposing syndrome. Also called: Neoplastic Syndromes, Hereditary; Tumor predisposition; Hereditary Cancer Syndrome; Hereditary neoplastic syndrome. Identifiers: Orphanet 140162, MedGen C0027672, MeSH D009386, MONDO:0015356.
Hereditary nonpolyposis colorectal neoplasms. Identifiers: MedGen C0009405, MeSH D003123.

Submissions (3):

Labcorp Genetics (formerly Invitae), Labcorp
Classification: Uncertain significance for Hereditary nonpolyposis colorectal neoplasms. Last evaluated: 2025-06-22. Review status: criteria provided, single submitter. Criteria: Invitae Variant Classification Sherloc (09022015). Collection method: clinical testing. Allele origin: germline.
Comment: This sequence change replaces alanine, which is neutral and non-polar, with proline, which is neutral and non-polar, at codon 650 of the PMS2 protein (p.Ala650Pro). This variant is not present in population databases (gnomAD no frequency). This variant has not been reported in the literature in individuals affected with PMS2-related conditions. ClinVar contains an entry for this variant (Variation ID: 919337). Invitae Evidence Modeling incorporating data from in vitro experimental studies (internal data) indicates that this missense variant is not expected to disrupt PMS2 function with a negative predictive value of 95%. In summary, the available evidence is currently insufficient to determine the role of this variant in disease. Therefore, it has been classified as a Variant of Uncertain Significance.

Ambry Genetics
Classification: Uncertain significance for Hereditary cancer-predisposing syndrome. Last evaluated: 2022-08-02. Review status: criteria provided, single submitter. Criteria: Ambry Variant Classification Scheme 2023. Collection method: clinical testing. Allele origin: germline.
Comment: The p.A650P variant (also known as c.1948G>C), located in coding exon 11 of the PMS2 gene, results from a G to C substitution at nucleotide position 1948. The alanine at codon 650 is replaced by proline, an amino acid with highly similar properties. This amino acid position is highly conserved in available vertebrate species. In addition, the in silico prediction for this alteration is inconclusive. Since supporting evidence is limited at this time, the clinical significance of this alteration remains unclear.

Color Diagnostics, LLC DBA Color Health
Classification: Uncertain significance for Hereditary cancer-predisposing syndrome. Last evaluated: 2019-04-04. Review status: criteria provided, single submitter. Criteria: ACMG Guidelines, 2015. Collection method: clinical testing. Allele origin: germline.

Literature cited by the submitters: PubMed 12851690 (cited by Ambry Genetics).

NM_000535.7(PMS2):c.1948G>C (p.Ala650Pro)

Gene: PMS2 (PMS1 homolog 2, mismatch repair system component; minus strand). Cytogenetic location: 7p22.1.
Variant type: single nucleotide variant.
Coding change: c.1948G>C on transcript NM_000535.7 (MANE Select); coding-DNA position 1948, G replaced by C.
Protein change: p.Ala650Pro; replaces alanine 650 with proline.
Molecular consequence: missense variant. On other transcripts: non-coding transcript variant (1).
Genome position (GRCh38, 1-based): chr7:5,986,817, C>G on the plus strand (G>C on the coding strand, the complement: PMS2 is on the minus strand). VCF-style: chr7-5986817-C-G. GRCh37 (hg19) VCF-style: chr7-6026448-C-G.
Other names: c.1543G>C, p.Ala515Pro (NM_001322003.2, NM_001322004.2, NM_001322005.2 and 1 more transcripts); c.1792G>C, p.Ala598Pro (NM_001322006.2); c.1630G>C, p.Ala544Pro (NM_001322007.2, NM_001322008.2); c.1387G>C, p.Ala463Pro (NM_001322010.2); c.1015G>C, p.Ala339Pro (NM_001322011.2, NM_001322012.2); c.1375G>C, p.Ala459Pro (NM_001322013.2); c.1948G>C, p.Ala650Pro (NM_001322014.2); c.1639G>C, p.Ala547Pro (NM_001322015.2); short protein forms A544P, A598P, A339P, A463P, A459P, A547P, A650P, A515P.
Identifiers: ClinVar variation 919337 (VCV000919337.7), dbSNP rs1782930647, ClinGen allele CA366739108.